The following is an entry in ClinVar:

ClinVar aggregate classification (germline): Uncertain significance (1 of 4 stars; one submission).

Submission:

Greenwood Genetic Center Diagnostic Laboratories, Greenwood Genetic Center
Classification: Uncertain significance. Last evaluated: 2024-04-30. Review status: criteria provided, single submitter. Criteria: ACMG Guidelines, 2015. Collection method: clinical testing. Allele origin: germline. Affected: yes.
Comment: PM2

NM_003482.4(KMT2D):c.382C>T (p.His128Tyr)

Gene: KMT2D (lysine methyltransferase 2D; minus strand). Cytogenetic location: 12q13.12.
Variant type: single nucleotide variant.
Coding change: c.382C>T on transcript NM_003482.4 (MANE Select); coding-DNA position 382, C replaced by T.
Protein change: p.His128Tyr; replaces histidine 128 with tyrosine.
Molecular consequence: missense variant.
Genome position (GRCh38, 1-based): chr12:49,054,546, G>A on the plus strand (C>T on the coding strand, the complement: KMT2D is on the minus strand). VCF-style: chr12-49054546-G-A. GRCh37 (hg19) VCF-style: chr12-49448329-G-A.
Other names: short protein forms H128Y.
Identifiers: ClinVar variation 3338603 (VCV003338603.1).